The following is an entry in ClinVar:

NM_031372.4(HNRNPDL):c.1090G>A (p.Ala364Thr)

Gene: HNRNPDL (heterogeneous nuclear ribonucleoprotein D like; minus strand). Cytogenetic location: 4q21.22.
Variant type: single nucleotide variant.
Coding change: c.1090G>A on transcript NM_031372.4 (MANE Select); coding-DNA position 1090, G replaced by A.
Protein change: p.Ala364Thr; replaces alanine 364 with threonine.
Molecular consequence: missense variant. On other transcripts: non-coding transcript variant (1), intron variant (1).
Genome position (GRCh38, 1-based): chr4:82,426,565, C>T on the plus strand (G>A on the coding strand, the complement: HNRNPDL is on the minus strand). VCF-style: chr4-82426565-C-T. GRCh37 (hg19) VCF-style: chr4-83347718-C-T.
Other names: c.1022-436G>A (NM_001207000.1); short protein forms A364T.
Identifiers: ClinVar variation 1361753 (VCV001361753.8), dbSNP rs1578083424, ClinGen allele CA357168894.

ClinVar aggregate classification (germline): Uncertain significance (1 of 4 stars; one submission).

Conditions:
Autosomal dominant limb-girdle muscular dystrophy type 1G (LGMDD3). Also called: Limb-girdle muscular dystrophy, type 1G; MUSCULAR DYSTROPHY, LIMB-GIRDLE, AUTOSOMAL DOMINANT 3. Identifiers: Orphanet 55596, MedGen C1836765, MONDO:0012193, OMIM 609115.

Allele frequency attached by ClinVar (database versions not stated): gnomAD exomes below 0.00001.
gnomAD v4.1: 1 of 1,612,626 alleles (0.000062%); highest among the groups gnomAD compares: Non-Finnish European, 0.000085%; no homozygotes.

Submission:

Labcorp Genetics (formerly Invitae), Labcorp
Classification: Uncertain significance for Autosomal dominant limb-girdle muscular dystrophy type 1G. Last evaluated: 2021-06-16. Review status: criteria provided, single submitter. Criteria: Invitae Variant Classification Sherloc (09022015). Collection method: clinical testing. Allele origin: germline.
Comment: This sequence change replaces alanine with threonine at codon 364 of the HNRNPDL protein (p.Ala364Thr). The alanine residue is highly conserved and there is a small physicochemical difference between alanine and threonine. This variant is not present in population databases (ExAC no frequency). This variant has not been reported in the literature in individuals with HNRNPDL-related conditions. Algorithms developed to predict the effect of missense changes on protein structure and function are either unavailable or do not agree on the potential impact of this missense change (SIFT: "Deleterious"; PolyPhen-2: "Possibly Damaging"; Align-GVGD: "Class C0"). In summary, the available evidence is currently insufficient to determine the role of this variant in disease. Therefore, it has been classified as a Variant of Uncertain Significance.